The following is an entry in ClinVar:

NM_001099922.3(ALG13):c.463del (p.Thr155fs)

Gene: ALG13 (ALG13 UDP-N-acetylglucosaminyltransferase subunit; plus strand). Cytogenetic location: Xq23.
Variant type: Deletion.
Coding change: c.463del on transcript NM_001099922.3 (MANE Select); coding-DNA position 463, one base deleted (A; older notation c.463delA).
Protein change: p.Thr155fs; shifts the reading frame from threonine 155.
Molecular consequence: frameshift variant. On other transcripts: non-coding transcript variant (1).
Genome position (GRCh38, 1-based): chrX:111,708,106, A deleted; the last of 2 consecutive A bases (chrX:111,708,105-111,708,106); deleting either gives the same sequence. VCF-style (leftmost placement, unchanged base first): chrX-111708104-CA-C. GRCh37 (hg19) VCF-style: chrX-110951332-CA-C.
Other names: c.151del, p.Thr51fs (NM_001257230.2, NM_001257234.2, NM_001257237.2 and 1 more transcripts); c.229del, p.Thr77fs (NM_001257231.2); c.463del, p.Thr155fs (NM_001324292.2); short protein forms T77fs, T155fs, T51fs.
Identifiers: ClinVar variation 2820555 (VCV002820555.3), dbSNP rs1939106228, ClinGen allele CA2451801045.

ClinVar aggregate classification (germline): Uncertain significance (1 of 4 stars; one submission).

Conditions:
Developmental and epileptic encephalopathy, 36 (DEE36). Also called: Epileptic encephalopathy, early infantile, 36; ALG13-CDG; Congenital disorder of glycosylation, type Is. Identifiers: Orphanet 324422, MedGen C4317295, MONDO:0010472, OMIM 300884.

Submission:

Labcorp Genetics (formerly Invitae), Labcorp
Classification: Uncertain significance for Developmental and epileptic encephalopathy, 36. Last evaluated: 2023-10-03. Review status: criteria provided, single submitter. Criteria: Invitae Variant Classification Sherloc (09022015). Collection method: clinical testing. Allele origin: germline.
Comment: This sequence change creates a premature translational stop signal (p.Thr155Leufs*6) in the ALG13 gene. It is expected to result in an absent or disrupted protein product. However, the current clinical and genetic evidence is not sufficient to establish whether loss-of-function variants in ALG13 cause disease. This variant is not present in population databases (gnomAD no frequency). This variant has not been reported in the literature in individuals affected with ALG13-related conditions. In summary, the available evidence is currently insufficient to determine the role of this variant in disease. Therefore, it has been classified as a Variant of Uncertain Significance.